The following is an entry in ClinVar:

ClinVar aggregate classification (germline): Uncertain significance (1 of 4 stars; one submission).

Allele frequency attached by ClinVar (database versions not stated): TOPMed 0.00001.
gnomAD v4.1: 1 of 1,480,084 alleles (0.000068%); no homozygotes.

Submission:

Labcorp Genetics (formerly Invitae), Labcorp
Classification: Uncertain significance. Last evaluated: 2024-11-18. Review status: criteria provided, single submitter. Criteria: Invitae Variant Classification Sherloc (09022015). Collection method: clinical testing. Allele origin: germline.
Comment: This sequence change replaces alanine, which is neutral and non-polar, with valine, which is neutral and non-polar, at codon 679 of the ZNF335 protein (p.Ala679Val). This variant is not present in population databases (gnomAD no frequency). This variant has not been reported in the literature in individuals affected with ZNF335-related conditions. ClinVar contains an entry for this variant (Variation ID: 1387411). Invitae Evidence Modeling of protein sequence and biophysical properties (such as structural, functional, and spatial information, amino acid conservation, physicochemical variation, residue mobility, and thermodynamic stability) indicates that this missense variant is not expected to disrupt ZNF335 protein function with a negative predictive value of 80%. In summary, the available evidence is currently insufficient to determine the role of this variant in disease. Therefore, it has been classified as a Variant of Uncertain Significance.

NM_022095.4(ZNF335):c.2036C>T (p.Ala679Val)

Gene: ZNF335 (zinc finger protein 335; minus strand). Cytogenetic location: 20q13.12.
Variant type: single nucleotide variant.
Coding change: c.2036C>T on transcript NM_022095.4 (MANE Select); coding-DNA position 2036, C replaced by T.
Protein change: p.Ala679Val; replaces alanine 679 with valine.
Molecular consequence: missense variant.
Genome position (GRCh38, 1-based): chr20:45,959,418, G>A on the plus strand (C>T on the coding strand, the complement: ZNF335 is on the minus strand). VCF-style: chr20-45959418-G-A. GRCh37 (hg19) VCF-style: chr20-44588057-G-A.
Other names: short protein forms A679V.
Identifiers: ClinVar variation 1387411 (VCV001387411.6), dbSNP rs1268481454, ClinGen allele CA409245311.